The following is an entry in ClinVar:

ClinVar aggregate classification (germline): Conflicting classifications of pathogenicity. Review status: criteria provided, conflicting classifications (1 of 4 stars). 3 submissions from 3 submitters: Likely pathogenic (1); Uncertain significance (2). Last evaluated 2026-08-06.

Conditions:
Aarskog syndrome (AAS). Also called: Aarskog Scott syndrome; Aarskog disease; FGD1-Related Faciogenital Dysplasia (Aarskog-Scott Syndrome); FGDY; Aarskog-Scott syndrome, X-linked. Identifiers: Orphanet 915, MedGen C0175701, MONDO:0010589, OMIM 305400.

Submissions (3):

OLLIN Analises Genomicas, OLLIN
Classification: Likely pathogenic for Aarskog syndrome. Last evaluated: 2026-08-06. Review status: criteria provided, single submitter. Criteria: ACMG Guidelines 2015 PMID 25741868. Collection method: clinical testing. Allele origin: germline. Inheritance: X-linked inheritance.
Comment: This missense variant, located in exon 7 (of 18), is absent from gnomAD but has been reported in ClinVar (accession VCV002572580.2) and in the scientific literature in individuals with FGD1 related disorders (PMID: 17847065). In silico analysis predicts that this variant has a deleterious effect. This variant is located in a region considered to be a mutational hotspot (PMID: 17847065). This gene is constrained for missense variation. According to the currently available evidence, this variant has been classified as likely pathogenic (PM1, PM2_P, PP2, PP3_M).

Dasa
Classification: Uncertain significance for Aarskog-Scott syndrome, X-linked. Last evaluated: 2025-10-24. Review status: criteria provided, single submitter. Criteria: DASA Assertion Criteria. Collection method: clinical testing. Allele origin: germline.
Comment: NM_004463.3(FGD1):c.1409A>G (p.Tyr470Cys) is a missense variant that results in the substitution of tyrosine with cysteine. This variant is absent from population databases. Computational prediction algorithms are consistent with a deleterious effect. The currently available literature and clinical evidence are not sufficient to establish a definitive association between this variant and the reported condition. Therefore, this variant is classified as a variant of uncertain significance.

3billion
Classification: Uncertain significance for Aarskog syndrome. Review status: criteria provided, single submitter. Criteria: ACMG Guidelines, 2015. Collection method: clinical testing. Allele origin: unknown. Affected: yes. Observed: 1 hemizygote.
Comment: The variant is not observed in the gnomAD v2.1.1 dataset. Missense changes are a common disease-causing mechanism. In silico tool predictions suggest damaging effect of the variant on gene or gene product (REVEL: 0.93; 3Cnet: 0.92). Therefore, this variant is classified as Uncertain significance according to the recommendation of ACMG/AMP guideline.

Literature cited by the submitters: PubMed 17847065 (cited by OLLIN Analises Genomicas, OLLIN).

NM_004463.3(FGD1):c.1409A>G (p.Tyr470Cys)

Gene: FGD1 (FYVE, RhoGEF and PH domain containing 1; minus strand). Cytogenetic location: Xp11.22.
Variant type: single nucleotide variant.
Coding change: c.1409A>G on transcript NM_004463.3 (MANE Select); coding-DNA position 1409, A replaced by G.
Protein change: p.Tyr470Cys; replaces tyrosine 470 with cysteine.
Molecular consequence: missense variant.
Genome position (GRCh38, 1-based): chrX:54,465,784, T>C on the plus strand (A>G on the coding strand, the complement: FGD1 is on the minus strand). VCF-style: chrX-54465784-T-C. GRCh37 (hg19) VCF-style: chrX-54492217-T-C.
Other names: short protein forms Y470C.
Identifiers: ClinVar variation 2572580 (VCV002572580.4), dbSNP rs2522709535, ClinGen allele CA413244862.
Genomic context (GRCh38, chrX:54,465,784, plus strand): 5'-TGGGTGGAGCGCTCTGTCCAGGTGTTGACCAGCTCCACGGCCCGGTCAAAGTTCTTCACA[T>C]ACTCACCATACATCTTGAGGAAGGGGGCCAGTTTCTGCAGGATGTCTCCAATGCGTGGAT-3'
Protein context (NP_004454.2, residues 460-480): LAPFLKMYGE[Tyr470Cys]VKNFDRAVEL